The following is an entry in ClinVar:

ClinVar aggregate classification (germline): Uncertain significance (1 of 4 stars; one submission).

Submission:

GeneDx
Classification: Uncertain significance. Last evaluated: 2024-03-10. Review status: criteria provided, single submitter. Criteria: GeneDx Variant Classification Process June 2021. Collection method: clinical testing. Allele origin: germline. Affected: yes.
Comment: Not observed at significant frequency in large population cohorts (gnomAD); In silico analysis supports that this missense variant has a deleterious effect on protein structure/function; Has not been previously published as pathogenic or benign to our knowledge

NM_020987.5(ANK3):c.4334C>T (p.Ser1445Leu)

Gene: ANK3 (ankyrin 3; minus strand). Cytogenetic location: 10q21.2.
Variant type: single nucleotide variant.
Coding change: c.4334C>T on transcript NM_020987.5 (MANE Select); coding-DNA position 4334, C replaced by T.
Protein change: p.Ser1445Leu; replaces serine 1445 with leucine.
Molecular consequence: missense variant. On other transcripts: intron variant (4).
Genome position (GRCh38, 1-based): chr10:60,082,166, G>A on the plus strand (C>T on the coding strand, the complement: ANK3 is on the minus strand). VCF-style: chr10-60082166-G-A. GRCh37 (hg19) VCF-style: chr10-61841924-G-A.
Other names: c.4305+449C>T (NM_001204403.2); c.4326+449C>T (NM_001204404.2); c.4323+449C>T (NM_001320874.2); c.1725+449C>T (NM_001149.4); short protein forms S1445L.
Identifiers: ClinVar variation 3373476 (VCV003373476.1).
Genomic context (GRCh38, chr10:60,082,166, plus strand): 5'-CTATTCTACTTCTGATAGAATAAAAGCAGAAGTGTTTATATTACCTCATCATCTTGATCT[G>A]ACTCTGTCTCCTTTTGGTTCCAAGATGCATTGCAGAGACAAGGAATATTATAATGGACAG-3'
Protein context (NP_066267.2, residues 1435-1455): TLPAHKKETE[Ser1445Leu]DQDDEIEKTD